The following is an entry in ClinVar:

ClinVar aggregate classification (germline): Uncertain significance (1 of 4 stars; one submission).

Conditions:
Hereditary sensory and autonomic neuropathy type 7. Also called: HSAN VII; Neuropathy, hereditary sensory and autonomic, type VII. Identifiers: Orphanet 391397, MedGen C3809882, MONDO:0014244, OMIM 615548.
Familial episodic pain syndrome with predominantly lower limb involvement. Also called: Episodic pain syndrome, familial, 3. Identifiers: Orphanet 391384, Orphanet 391392, MedGen C3809899, MONDO:0014247, OMIM 615552.

Allele frequency attached by ClinVar (database versions not stated): gnomAD exomes below 0.00001 and 0.00001; TOPMed below 0.00001; ExAC 0.00001; gnomAD 0.00001.

Submission:

Labcorp Genetics (formerly Invitae), Labcorp
Classification: Uncertain significance for Familial episodic pain syndrome with predominantly lower limb involvement; Hereditary sensory and autonomic neuropathy type 7. Last evaluated: 2022-11-17. Review status: criteria provided, single submitter. Criteria: Invitae Variant Classification Sherloc (09022015). Collection method: clinical testing. Allele origin: germline.
Comment: This sequence change creates a premature translational stop signal (p.Phe1303Leufs*7) in the SCN11A gene. It is expected to result in an absent or disrupted protein product. However, the current clinical and genetic evidence is not sufficient to establish whether loss-of-function variants in SCN11A cause disease. This variant is present in population databases (rs762160601, gnomAD 0.004%). This variant has not been reported in the literature in individuals affected with SCN11A-related conditions. In summary, the available evidence is currently insufficient to determine the role of this variant in disease. Therefore, it has been classified as a Variant of Uncertain Significance. Algorithms developed to predict the effect of sequence changes on RNA splicing suggest that this variant may disrupt the consensus splice site. ClinVar contains an entry for this variant (Variation ID: 1044380).

NM_001349253.2(SCN11A):c.3908_3909insA (p.Phe1303fs)

Gene: SCN11A (sodium voltage-gated channel alpha subunit 11; minus strand). Cytogenetic location: 3p22.2.
Variant type: Insertion.
Coding change: c.3908_3909insA on transcript NM_001349253.2 (MANE Select); coding-DNA positions 3908 to 3909, A inserted.
Protein change: p.Phe1303fs; shifts the reading frame from phenylalanine 1303.
Molecular consequence: frameshift variant.
Genome position: GRCh38 VCF-style: chr3-38867363-G-GT. GRCh37 (hg19) VCF-style: chr3-38908854-G-GT.
Other names: c.3908_3909insA, p.Phe1303fs (NM_014139.3); short protein forms F1303fs.
Identifiers: ClinVar variation 1044380 (VCV001044380.5), dbSNP rs762160601, ClinGen allele CA2321666.
Genomic context (GRCh38, chr3:38,867,363, plus strand): 5'-GACAACCCAGATACTTATCTTTTTCTGCTGTTGGTTGAAGTTGTCAATGATAACGCCAAT[G>GT]AAGAGATTCAGAGTGAAGAATGAGCCAAAGATGATAAAGACTACGAAGTAAATGTAACCG-3'